The following is an entry in ClinVar:

NM_006940.6(SOX5):c.1864G>A (p.Asp622Asn)

Gene: SOX5 (SRY-box transcription factor 5; minus strand). Cytogenetic location: 12p12.1.
Variant type: single nucleotide variant.
Coding change: c.1864G>A on transcript NM_006940.6 (MANE Select); coding-DNA position 1864, G replaced by A.
Protein change: p.Asp622Asn; replaces aspartic acid 622 with asparagine.
Molecular consequence: missense variant.
Genome position (GRCh38, 1-based): chr12:23,536,577, C>T on the plus strand (G>A on the coding strand, the complement: SOX5 is on the minus strand). VCF-style: chr12-23536577-C-T. GRCh37 (hg19) VCF-style: chr12-23689511-C-T.
Other names: c.1501G>A, p.Asp501Asn (NM_001261414.3); c.1834G>A, p.Asp612Asn (NM_001261415.3); c.1759G>A, p.Asp587Asn (NM_001330785.2); c.1825G>A, p.Asp609Asn (NM_152989.5); c.706G>A, p.Asp236Asn (NM_178010.4); short protein forms D236N, D501N, D587N, D609N, D612N, D622N.
Identifiers: ClinVar variation 2500347 (VCV002500347.17), dbSNP rs2547740929, ClinGen allele CA384319441.

ClinVar aggregate classification (germline): Uncertain significance. Review status: criteria provided, multiple submitters, no conflicts (2 of 4 stars). 2 submissions from 2 submitters: Uncertain significance (2). Last evaluated 2024-10-01.

Conditions:
Lamb-Shaffer syndrome. Identifiers: Orphanet 313884, Orphanet 313892, Orphanet 530983, MedGen C4225202, MONDO:0014778, OMIM 616803.

Allele frequency attached by ClinVar (database versions not stated): gnomAD exomes below 0.00001.
gnomAD v4.1: 2 of 1,614,160 alleles (0.00012%); highest among the groups gnomAD compares: Non-Finnish European, 0.00017%; no homozygotes.

Submissions (2):

CeGaT Center for Human Genetics Tuebingen
Classification: Uncertain significance. Last evaluated: 2024-10-01. Review status: criteria provided, single submitter. Criteria: CeGaT Center For Human Genetics Tuebingen Variant Classification Criteria Version 2. Collection method: clinical testing. Allele origin: germline. Affected: yes. Observed: 2 variant alleles.
Comment: SOX5: PM1, PM2, PP2, PP3, BS2

Institute of Human Genetics, University of Leipzig Medical Center
Classification: Uncertain significance for Lamb-Shaffer syndrome. Last evaluated: 2023-02-09. Review status: criteria provided, single submitter. Criteria: ACMG Guidelines, 2015. Collection method: clinical testing. Allele origin: paternal. Affected: yes.
Comment: _x000D_ Criteria applied: PM1, PM2_SUP